The following is an entry in ClinVar:

ClinVar aggregate classification (germline): Benign (1 of 4 stars; one submission).

Allele frequency attached by ClinVar (database versions not stated): 1000 Genomes Project 0.00220.

Submission:

CeGaT Center for Human Genetics Tuebingen
Classification: Benign. Last evaluated: 2023-06-01. Review status: criteria provided, single submitter. Criteria: CeGaT Center For Human Genetics Tuebingen Variant Classification Criteria Version 2. Collection method: clinical testing. Allele origin: germline. Affected: yes. Observed: 2 variant alleles.
Comment: ACSF3: BS1, BS2

NC_000016.10:g.89157603C>A

Gene: ACSF3 (acyl-CoA synthetase family member 3; plus strand). Cytogenetic location: 16q24.3.
Variant type: single nucleotide variant.
Genome position: GRCh38 VCF-style: chr16-89157603-C-A. GRCh37 (hg19) VCF-style: chr16-89224011-C-A.
Identifiers: ClinVar variation 2647020 (VCV002647020.24), dbSNP rs530148519, ClinGen allele CA286501153.
Genomic context (GRCh38, chr16:89,157,603, plus strand): 5'-TCACATGTATGTGTCTCACGCCTGCATAAGTCACATGCATGTGTGTCTCACGCCTGCATA[C>A]ACCACAGGTATGTATGTCTCACGCCTGCATGTCACATGTATGTATCTCACACGCCTGCAT-3'